The following is an entry in ClinVar:

NM_022773.4(LMF1):c.441C>G (p.Asn147Lys)

Gene: LMF1 (lipase maturation factor 1; minus strand). Cytogenetic location: 16p13.3.
Variant type: single nucleotide variant.
Coding change: c.441C>G on transcript NM_022773.4 (MANE Select); coding-DNA position 441, C replaced by G.
Protein change: p.Asn147Lys; replaces asparagine 147 with lysine.
Molecular consequence: missense variant. On other transcripts: 5 prime UTR variant (3), non-coding transcript variant (1).
Genome position (GRCh38, 1-based): chr16:954,419, G>C on the plus strand (C>G on the coding strand, the complement: LMF1 is on the minus strand). VCF-style: chr16-954419-G-C. GRCh37 (hg19) VCF-style: chr16-1004419-G-C.
Other names: c.441C>G (NM_022773.3); c.-363C>G (NM_001352017.2); c.-114C>G (NM_001352018.2); c.114C>G, p.Asn38Lys (NM_001352019.2); c.441C>G, p.Asn147Lys (NM_001352020.1); c.-265C>G (NM_001352021.2); short protein forms N147K, N38K.
Identifiers: ClinVar variation 1436612 (VCV001436612.10), dbSNP rs182685983, ClinGen allele CA7797643.
Genomic context (GRCh38, chr16:954,419, plus strand): 5'-GACATGGCCCACATTAACCAGGGACATGTAGAGGCCCCACAGGGCAGCCATGAGAAGCAT[G>C]TTGGCGCAGCCCGTGATCAGTACGAAAGACGAGATGCCCAGTCCGAGAAGAGCCAGCAAG-3'
Protein context (NP_073610.2, residues 137-157): SSFVLITGCA[Asn147Lys]MLLMAALWGL

ClinVar aggregate classification (germline): Conflicting classifications of pathogenicity. Review status: criteria provided, conflicting classifications (1 of 4 stars). 4 submissions from 4 submitters: Pathogenic (1); Likely pathogenic (1); Uncertain significance (2). Last evaluated 2026-01-05.

Conditions:
LMF1-related disorder. Also called: LMF1-related condition.
Cardiovascular phenotype. Identifiers: MedGen CN230736.

Allele frequency attached by ClinVar (database versions not stated): ExAC 0.00002; gnomAD exomes 0.00002; gnomAD 0.00017; 1000 Genomes Project 0.00020; 1000 Genomes Project 30x 0.00031; TOPMed 0.00043.
gnomAD v4.1: 43 of 1,613,114 alleles (0.0027%); highest among the groups gnomAD compares: Admixed American, 0.062%; 1 homozygote.

Submissions (4):

Labcorp Genetics (formerly Invitae), Labcorp
Classification: Pathogenic. Last evaluated: 2026-01-05. Review status: criteria provided, single submitter. Criteria: Invitae Variant Classification Sherloc (09022015). Collection method: clinical testing. Allele origin: germline.
Comment: This sequence change replaces asparagine, which is neutral and polar, with lysine, which is basic and polar, at codon 147 of the LMF1 protein (p.Asn147Lys). This variant is present in population databases (rs182685983, gnomAD 0.01%). This missense change has been observed in individuals with clinical features of LMF1-related conditions (PMID: 32041611, 36325899, 39537501; internal data). ClinVar contains an entry for this variant (Variation ID: 1436612). An algorithm developed to predict the effect of missense changes on protein structure and function (PolyPhen-2) suggests that this variant is likely to be disruptive. Experimental studies have shown that this missense change affects LMF1 function (PMID: 39537501). For these reasons, this variant has been classified as Pathogenic.

PreventionGenetics, part of Exact Sciences
Classification: Likely pathogenic for LMF1-related condition. Last evaluated: 2025-06-27. Review status: criteria provided, single submitter. Criteria: ACMG Guidelines, 2015. Collection method: clinical testing. Allele origin: germline.
Comment: The LMF1 c.441C>G variant is predicted to result in the amino acid substitution p.Asn147Lys. This variant has been reported in the homozygous state in two siblings with severe hypertriglyceridemia, and functional study showed that it reduces the secretion of enzymatically active LPL and diminishes LMF1 protein expression (Bedoya et al. 2025. PubMed ID: 39537501). This variant has also been reported in an individual with dyslipidemias (Table S4, Dron et al. 2020. PubMed ID: 32041611) and in an individual with hypertriglyceridemia (Table S2, Deshotels et al. 2022. PubMed ID: 36325899). This variant is reported in 0.011% of alleles in individuals of Latino descent in gnomAD. This variant is interpreted as likely pathogenic.

GeneDx
Classification: Uncertain significance. Last evaluated: 2024-05-30. Review status: criteria provided, single submitter. Criteria: GeneDx Variant Classification Process June 2021. Collection method: clinical testing. Allele origin: germline. Affected: yes.
Comment: Identified in patients with dyslipidemia or hypertriglyceridemia from large cohort studies in the literature; however, detailed clinical information was not provided (PMID: 32041611, 36325899); In silico analysis supports that this missense variant has a deleterious effect on protein structure/function; This variant is associated with the following publications: (PMID: 36325899, 32041611)

Ambry Genetics
Classification: Uncertain significance for Cardiovascular phenotype. Last evaluated: 2023-08-25. Review status: criteria provided, single submitter. Criteria: Ambry Variant Classification Scheme 2023. Collection method: clinical testing. Allele origin: germline.
Comment: The p.N147K variant (also known as c.441C>G), located in coding exon 2 of the LMF1 gene, results from a C to G substitution at nucleotide position 441. The asparagine at codon 147 is replaced by lysine, an amino acid with similar properties. This alteration has been reported in a dyslipidemia cohort; however, clinical details were limited (Dron JS et al. BMC Med Genomics, 2020 02;13:23). This amino acid position is highly conserved in available vertebrate species. In addition, this alteration is predicted to be tolerated by in silico analysis. Since supporting evidence is limited at this time, the clinical significance of this alteration remains unclear.

Literature cited by the submitters: PubMed 32041611 (cited by Labcorp Genetics (formerly Invitae), Labcorp and Ambry Genetics); PubMed 36325899 (cited by Labcorp Genetics (formerly Invitae), Labcorp); PubMed 39537501 (cited by Labcorp Genetics (formerly Invitae), Labcorp).